The following is an entry in ClinVar:

NM_001220.5(CAMK2B):c.391G>C (p.Gly131Arg)

Gene: CAMK2B (calcium/calmodulin dependent protein kinase II beta; minus strand). Cytogenetic location: 7p13.
Variant type: single nucleotide variant.
Coding change: c.391G>C on transcript NM_001220.5 (MANE Select); coding-DNA position 391, G replaced by C.
Protein change: p.Gly131Arg; replaces glycine 131 with arginine.
Molecular consequence: missense variant.
Genome position (GRCh38, 1-based): chr7:44,247,143, C>G on the plus strand (G>C on the coding strand, the complement: CAMK2B is on the minus strand). VCF-style: chr7-44247143-C-G. GRCh37 (hg19) VCF-style: chr7-44286742-C-G.
Other names: c.391G>C, p.Gly131Arg (NM_172083.3, NM_172084.3, NM_001293170.2 and 5 more transcripts); short protein forms G131R.
Identifiers: ClinVar variation 1723404 (VCV001723404.1), dbSNP rs2486250390, ClinGen allele CA367368843.
Genomic context (GRCh38, chr7:44,247,143, plus strand): 5'-CAACAGACACCTGGCACAGAGTGGGGTGGGGACTCACCTTGAGGTCTCTGTGGACGACCC[C>G]CATTTGGTGACAATGGAGAACGGCCTCCAGGATCTGCTGGATACAGTGACTGTGGCAAAC-3'
Protein context (NP_001211.3, residues 121-141): LEAVLHCHQM[Gly131Arg]VVHRDLKPEN

ClinVar aggregate classification (germline): Uncertain significance (1 of 4 stars; one submission).

Submission:

Women's Health and Genetics/Laboratory Corporation of America, LabCorp
Classification: Uncertain significance. Last evaluated: 2022-10-28. Review status: criteria provided, single submitter. Criteria: LabCorp Variant Classification Summary - May 2015. Collection method: clinical testing. Allele origin: germline.
Comment: Variant summary: CAMK2B c.391G>C (p.Gly131Arg) results in a non-conservative amino acid change located in the Protein kinase domain (IPR000719) of the encoded protein sequence. Three of five in-silico tools predict a damaging effect of the variant on protein function. The variant was absent in 251292 control chromosomes. The available data on variant occurrences in the general population are insufficient to allow any conclusion about variant significance. To our knowledge, no occurrence of c.391G>C in individuals affected with Intellectual Disability, Autosomal Dominant 54 and no experimental evidence demonstrating its impact on protein function have been reported. No clinical diagnostic laboratories have submitted clinical-significance assessments for this variant to ClinVar after 2014. Based on the evidence outlined above, the variant was classified as uncertain significance.